The following is an entry in ClinVar:

ClinVar aggregate classification (germline): Conflicting classifications of pathogenicity. Review status: criteria provided, conflicting classifications (1 of 4 stars). 6 submissions from 6 submitters: Uncertain significance (5); Benign (1). Last evaluated 2026-01-28.

Conditions:
Congenital myopathy 18. Also called: DIHYDROPYRIDINE RECEPTOR CONGENITAL MYOPATHY; DHPR CONGENITAL MYOPATHY; Myopathy, congenital, due to dihydropyridine receptor defect. Identifiers: MedGen C5830283, MONDO:0859514, OMIM 620246.
Thyrotoxic periodic paralysis, susceptibility to, 1 (TTPP1). Identifiers: Orphanet 79102, MedGen C2749982, MONDO:0008570, OMIM 188580.
Malignant hyperthermia, susceptibility to, 5 (MHS5). Also called: CACNA1S-Related Malignant Hyperthermia Susceptibility. Identifiers: Orphanet 423, MedGen C1866077, MONDO:0011163, OMIM 601887.
Hypokalemic periodic paralysis, type 1. Also called: Hypokalemic Periodic Paralysis Type 1 (AD); HypoPP. Identifiers: Orphanet 681, MedGen C3714580, MONDO:0042979, OMIM 170400.
CACNA1S-related disorder. Also called: CACNA1S-related condition.

Allele frequency attached by ClinVar (database versions not stated): gnomAD exomes 0.00005 and 0.00009; ExAC 0.00007; ESP Exome Variant Server 0.00008; 1000 Genomes Project 30x 0.00016; gnomAD 0.00016 and 0.00017; TOPMed 0.00019; 1000 Genomes Project 0.00020.
gnomAD v4.1: 94 of 1,614,182 alleles (0.0058%); highest among the groups gnomAD compares: African/African-American, 0.04%; no homozygotes.

Submissions (6):

Labcorp Genetics (formerly Invitae), Labcorp
Classification: Benign for Hypokalemic periodic paralysis, type 1; Malignant hyperthermia, susceptibility to, 5. Last evaluated: 2026-01-28. Review status: criteria provided, single submitter. Criteria: Invitae Variant Classification Sherloc (09022015). Collection method: clinical testing. Allele origin: germline.

GeneDx
Classification: Uncertain significance. Last evaluated: 2026-01-26. Review status: criteria provided, single submitter. Criteria: GeneDx Variant Classification Process June 2021. Collection method: clinical testing. Allele origin: germline.
Comment: In silico analysis supports that this missense variant has a deleterious effect on protein structure/function; Has not been previously published as pathogenic or benign to our knowledge

PreventionGenetics, part of Exact Sciences
Classification: Uncertain significance for CACNA1S-related condition. Last evaluated: 2025-10-10. Review status: criteria provided, single submitter. Criteria: ACMG Guidelines, 2015. Collection method: clinical testing. Allele origin: germline.
Comment: The CACNA1S c.2593C>T variant is predicted to result in the amino acid substitution p.Arg865Cys. To our knowledge, this variant has not been reported in the literature. This variant is reported in 0.040% of alleles in individuals of African descent in gnomAD. At this time, the clinical significance of this variant is uncertain due to the absence of conclusive functional and genetic evidence.

Color Diagnostics, LLC DBA Color Health
Classification: Uncertain significance for Malignant hyperthermia, susceptibility to, 5. Last evaluated: 2024-01-29. Review status: criteria provided, single submitter. Criteria: ACMG Guidelines, 2015. Collection method: clinical testing. Allele origin: germline.
Comment: This missense variant replaces arginine with cysteine at codon 865 of the CACNA1S protein. Computational prediction suggests that this variant may have deleterious impact on protein structure and function (internally defined REVEL score threshold >= 0.7, PMID: 27666373). To our knowledge, functional studies have not been reported for this variant. This variant has not been reported in individuals affected with CACNA1S-related disorders in the literature. This variant has been identified in 27/282788 chromosomes in the general population by the Genome Aggregation Database (gnomAD). The available evidence is insufficient to determine the role of this variant in disease conclusively. Therefore, this variant is classified as a Variant of Uncertain Significance.

Fulgent Genetics
Classification: Uncertain significance for Hypokalemic periodic paralysis, type 1; Thyrotoxic periodic paralysis, susceptibility to, 1; Malignant hyperthermia, susceptibility to, 5; Congenital myopathy 18. Last evaluated: 2024-01-13. Review status: criteria provided, single submitter. Criteria: ACMG Guidelines, 2015. Collection method: clinical testing. Allele origin: germline.

Revvity Omics, Revvity
Classification: Uncertain significance. Last evaluated: 2023-08-04. Review status: criteria provided, single submitter. Criteria: ACMG Guidelines, 2015. Collection method: clinical testing. Allele origin: germline.

NM_000069.3(CACNA1S):c.2593C>T (p.Arg865Cys)

Gene: CACNA1S (calcium voltage-gated channel subunit alpha1 S; minus strand). Cytogenetic location: 1q32.1.
Variant type: single nucleotide variant.
Coding change: c.2593C>T on transcript NM_000069.3 (MANE Select); coding-DNA position 2593, C replaced by T.
Protein change: p.Arg865Cys; replaces arginine 865 with cysteine.
Molecular consequence: missense variant.
Genome position (GRCh38, 1-based): chr1:201,066,951, G>A on the plus strand (C>T on the coding strand, the complement: CACNA1S is on the minus strand). VCF-style: chr1-201066951-G-A. GRCh37 (hg19) VCF-style: chr1-201036079-G-A.
Other names: short protein forms R865C.
Identifiers: ClinVar variation 646037 (VCV000646037.26), dbSNP rs201205904, ClinGen allele CA079119.